The following is an entry in ClinVar:

ClinVar aggregate classification (germline): Uncertain significance (1 of 4 stars; one submission).

Submission:

Ambry Genetics
Classification: Uncertain significance. Last evaluated: 2025-09-01. Review status: criteria provided, single submitter. Criteria: Ambry Variant Classification Scheme 2023. Collection method: clinical testing. Allele origin: germline.
Comment: The p.N862I variant (also known as c.2585A>T), located in coding exon 13 of the GEN1 gene, results from an A to T substitution at nucleotide position 2585. The asparagine at codon 862 is replaced by isoleucine, an amino acid with dissimilar properties. This amino acid position is conserved. In addition, this alteration is predicted to be tolerated by in silico analysis. Based on the available evidence, the clinical significance of this variant remains unclear.

NM_001130009.3(GEN1):c.2585A>T (p.Asn862Ile)

Gene: GEN1 (GEN1 Holliday junction 5' flap endonuclease; plus strand). Cytogenetic location: 2p24.2.
Variant type: single nucleotide variant.
Coding change: c.2585A>T on transcript NM_001130009.3 (MANE Select); coding-DNA position 2585, A replaced by T.
Protein change: p.Asn862Ile; replaces asparagine 862 with isoleucine.
Molecular consequence: missense variant.
Genome position (GRCh38, 1-based): chr2:17,781,797, A>T. VCF-style: chr2-17781797-A-T. GRCh37 (hg19) VCF-style: chr2-17963064-A-T.
Other names: c.2585A>T, p.Asn862Ile (NM_182625.5); short protein forms N862I.
Identifiers: ClinVar variation 4263120 (VCV004263120.1).
Genomic context (GRCh38, chr2:17,781,797, plus strand): 5'-GCCCTAAGATACATATTAAAGAAACTGAACAGTGTGTCAGATCTTATGAAACAGCTGAAA[A>T]TGAAGAAAGCTGTTTCCCAGATTCAACAAAAAGTTCTCTGAGTTCTCTACAATGTCATAA-3'
Protein context (NP_001123481.3, residues 852-872): QCVRSYETAE[Asn862Ile]EESCFPDSTK